The following is an entry in ClinVar:

ClinVar aggregate classification (germline): Uncertain significance (1 of 4 stars; one submission).

Submission:

Labcorp Genetics (formerly Invitae), Labcorp
Classification: Uncertain significance. Last evaluated: 2024-07-10. Review status: criteria provided, single submitter. Criteria: Invitae Variant Classification Sherloc (09022015). Collection method: clinical testing. Allele origin: germline.
Comment: This variant, c.282_290del, results in the deletion of 3 amino acid(s) of the LONP1 protein (p.Ala97_Gly99del), but otherwise preserves the integrity of the reading frame. This variant is present in population databases (rs762808010, gnomAD 0.1%). This variant has not been reported in the literature in individuals affected with LONP1-related conditions. ClinVar contains an entry for this variant (Variation ID: 1445036). Experimental studies and prediction algorithms are not available or were not evaluated, and the functional significance of this variant is currently unknown. In summary, the available evidence is currently insufficient to determine the role of this variant in disease. Therefore, it has been classified as a Variant of Uncertain Significance.

NM_004793.4(LONP1):c.282_290del (p.94AGG[1])

Gene: LONP1 (lon peptidase 1, mitochondrial; minus strand). Cytogenetic location: 19p13.3.
Variant type: Deletion.
Coding change: c.282_290del on transcript NM_004793.4 (MANE Select); coding-DNA positions 282 to 290, 9 bases deleted (CGGCGGCGC; older notation c.282_290delCGGCGGCGC).
Protein change: p.94AGG[1].
Molecular consequence: inframe deletion. On other transcripts: intron variant (2).
Genome position (GRCh38, 1-based): chr19:5,719,843-5,719,851, GCGCCGCCG deleted on the plus strand (CGGCGGCGC on the coding strand, the reverse complement: LONP1 is on the minus strand); deleting any 9 consecutive bases within chr19:5,719,843-5,719,853 gives the same sequence; the c. name uses the placement nearest the transcript's 3' end. VCF-style (leftmost placement, unchanged base first): chr19-5719842-CGCGCCGCCG-C. GRCh37 (hg19) VCF-style: chr19-5719853-CGCGCCGCCG-C.
Other names: c.-160+368_-160+376del (NM_001276480.1); c.125-35_125-27del (NM_001276479.2).
Identifiers: ClinVar variation 1445036 (VCV001445036.6), dbSNP rs762808010, ClinGen allele CA9115192.